The following is an entry in ClinVar:

NM_001321967.2(ATAD1):c.119C>T (p.Ala40Val)

Gene: ATAD1 (ATPase family AAA domain containing 1; minus strand). Cytogenetic location: 10q23.31.
Variant type: single nucleotide variant.
Coding change: c.119C>T on transcript NM_001321967.2 (MANE Select); coding-DNA position 119, C replaced by T.
Protein change: p.Ala40Val; replaces alanine 40 with valine.
Molecular consequence: missense variant. On other transcripts: 5 prime UTR variant (1), non-coding transcript variant (1).
Genome position (GRCh38, 1-based): chr10:87,814,481, G>A on the plus strand (C>T on the coding strand, the complement: ATAD1 is on the minus strand). VCF-style: chr10-87814481-G-A. GRCh37 (hg19) VCF-style: chr10-89574238-G-A.
Other names: c.119C>T, p.Ala40Val (NM_001321968.2, NM_032810.4); c.-329C>T (NM_001321969.2); short protein forms A40V.
Identifiers: ClinVar variation 1979122 (VCV001979122.3), dbSNP rs949572906, ClinGen allele CA211417376.

ClinVar aggregate classification (germline): Uncertain significance (1 of 4 stars; one submission).

Allele frequency attached by ClinVar (database versions not stated): gnomAD 0.00001; gnomAD exomes 0.00001.
gnomAD v4.1: 10 of 1,604,252 alleles (0.00062%); highest among the groups gnomAD compares: Admixed American, 0.0017%; no homozygotes.

Submission:

Labcorp Genetics (formerly Invitae), Labcorp
Classification: Uncertain significance. Last evaluated: 2025-02-03. Review status: criteria provided, single submitter. Criteria: Invitae Variant Classification Sherloc (09022015). Collection method: clinical testing. Allele origin: germline.
Comment: This sequence change replaces alanine, which is neutral and non-polar, with valine, which is neutral and non-polar, at codon 40 of the ATAD1 protein (p.Ala40Val). This variant is present in population databases (no rsID available, gnomAD 0.0008%). This variant has not been reported in the literature in individuals affected with ATAD1-related conditions. ClinVar contains an entry for this variant (Variation ID: 1979122). An algorithm developed to predict the effect of missense changes on protein structure and function (PolyPhen-2) suggests that this variant is likely to be tolerated. In summary, the available evidence is currently insufficient to determine the role of this variant in disease. Therefore, it has been classified as a Variant of Uncertain Significance.